The following is an entry in ClinVar:

ClinVar aggregate classification (germline): Uncertain significance. Review status: criteria provided, multiple submitters, no conflicts (2 of 4 stars). 2 submissions from 2 submitters: Uncertain significance (2). Last evaluated 2026-07-10.

Conditions:
Polycystic kidney disease, adult type (PKD1). Also called: Polycystic Kidney, Autosomal Dominant; Polycystic Kidney Disease 1, Autosomal Dominant; Polycystic kidney disease 1; Polycystic kidney disease 1, severe; POLYCYSTIC KIDNEY DISEASE, ADULT, TYPE I; POLYCYSTIC KIDNEY DISEASE 1 WITH OR WITHOUT POLYCYSTIC LIVER DISEASE. Identifiers: MedGen C3149841, MONDO:0008263, OMIM 173900.
PKD1-related disorder. Also called: PKD1-related condition.

gnomAD v4.1: 90 of 1,556,710 alleles (0.0058%); highest among the groups gnomAD compares: African/African-American, 0.012%; no homozygotes.

Submissions (2):

PreventionGenetics, part of Exact Sciences
Classification: Uncertain significance for PKD1-related condition. Last evaluated: 2026-07-10. Review status: criteria provided, single submitter. Criteria: ACMG Guidelines, 2015. Collection method: clinical testing. Allele origin: germline.
Comment: The PKD1 c.9115C>T variant is predicted to result in the amino acid substitution p.Arg3039Cys. This variant was reported in an individual with polycystic kidney disease (Phakdeekitcharoen et al. 2001. PubMed ID: 11316854). This variant is reported in 0.012% of alleles in individuals of African descent in gnomAD. Although we suspect that this variant may be benign, at this time, the clinical significance of this variant is uncertain due to the absence of conclusive functional and genetic evidence.

Fulgent Genetics
Classification: Uncertain significance for Polycystic kidney disease, adult type. Last evaluated: 2024-05-07. Review status: criteria provided, single submitter. Criteria: ACMG Guidelines, 2015. Collection method: clinical testing. Allele origin: germline.

NM_001009944.3(PKD1):c.9115C>T (p.Arg3039Cys)

Gene: PKD1 (polycystin 1, transient receptor potential channel interacting; minus strand). Cytogenetic location: 16p13.3.
Variant type: single nucleotide variant.
Coding change: c.9115C>T on transcript NM_001009944.3 (MANE Select); coding-DNA position 9115, C replaced by T.
Protein change: p.Arg3039Cys; replaces arginine 3039 with cysteine.
Molecular consequence: missense variant.
Genome position (GRCh38, 1-based): chr16:2,102,467, G>A on the plus strand (C>T on the coding strand, the complement: PKD1 is on the minus strand). VCF-style: chr16-2102467-G-A. GRCh37 (hg19) VCF-style: chr16-2152468-G-A.
Other names: c.9115C>T, p.Arg3039Cys (NM_000296.4); short protein forms R3039C.
Identifiers: ClinVar variation 2636059 (VCV002636059.3), dbSNP rs200522524, ClinGen allele CA7830189.